The following is an entry in ClinVar:

NM_003000.3(SDHB):c.95C>T (p.Ala32Val)

Gene: SDHB (succinate dehydrogenase complex iron sulfur subunit B; minus strand). Cytogenetic location: 1p36.13.
Variant type: single nucleotide variant.
Coding change: c.95C>T on transcript NM_003000.3 (MANE Select); coding-DNA position 95, C replaced by T.
Protein change: p.Ala32Val; replaces alanine 32 with valine.
Molecular consequence: missense variant.
Genome position (GRCh38, 1-based): chr1:17,044,866, G>A on the plus strand (C>T on the coding strand, the complement: SDHB is on the minus strand). VCF-style: chr1-17044866-G-A. GRCh37 (hg19) VCF-style: chr1-17371361-G-A.
Other names: short protein forms A32V.
Identifiers: ClinVar variation 664395 (VCV000664395.5), dbSNP rs1570958135, ClinGen allele CA338228338.

ClinVar aggregate classification (germline): Uncertain significance (1 of 4 stars; one submission).

Conditions:
Pheochromocytoma/paraganglioma syndrome 4. Also called: SDHB-Related Hereditary Paraganglioma-Pheochromocytoma Syndrome (Paragangliomas 4); SDHB-Related Hereditary Paraganglioma-Pheochromocytoma Syndrome; CAROTID BODY TUMORS AND MULTIPLE EXTRAADRENAL PHEOCHROMOCYTOMAS; PARAGANGLIOMA, FAMILIAL MALIGNANT; PARAGANGLIOMAS, HEREDITARY EXTRAADRENAL; PHEOCHROMOCYTOMA, FAMILIAL EXTRAADRENAL. Identifiers: Orphanet 29072, MedGen C1861848, MONDO:0007273, OMIM 115310.
Pheochromocytoma. Also called: MAX-Related Hereditary Paraganglioma-Pheochromocytoma Syndrome. Identifiers: Orphanet 29072, MedGen C0031511, MONDO:0008233, OMIM 171300, HP:0002666.
Gastrointestinal stromal tumor. Also called: Gastrointestinal stromal tumor, somatic; Gastrointestinal stroma tumor. Identifiers: Orphanet 44890, MedGen C0238198, MeSH D046152, MONDO:0011719, OMIM 606764, HP:0100723.

Submission:

Labcorp Genetics (formerly Invitae), Labcorp
Classification: Uncertain significance for Gastrointestinal stromal tumor; Pheochromocytoma/paraganglioma syndrome 4; Pheochromocytoma. Last evaluated: 2024-04-16. Review status: criteria provided, single submitter. Criteria: Invitae Variant Classification Sherloc (09022015). Collection method: clinical testing. Allele origin: germline.
Comment: This sequence change replaces alanine, which is neutral and non-polar, with valine, which is neutral and non-polar, at codon 32 of the SDHB protein (p.Ala32Val). This variant is not present in population databases (gnomAD no frequency). This variant has not been reported in the literature in individuals affected with SDHB-related conditions. ClinVar contains an entry for this variant (Variation ID: 664395). Advanced modeling of protein sequence and biophysical properties (such as structural, functional, and spatial information, amino acid conservation, physicochemical variation, residue mobility, and thermodynamic stability) performed at Invitae indicates that this missense variant is not expected to disrupt SDHB protein function with a negative predictive value of 95%. In summary, the available evidence is currently insufficient to determine the role of this variant in disease. Therefore, it has been classified as a Variant of Uncertain Significance.